The following is an entry in ClinVar:

NM_002225.5(IVD):c.1066-5C>T

Gene: IVD (isovaleryl-CoA dehydrogenase; plus strand). Cytogenetic location: 15q15.1.
Variant type: single nucleotide variant.
Coding change: c.1066-5C>T on transcript NM_002225.5 (MANE Select); 5 bases into the intron before coding-DNA position 1066, C replaced by T.
Molecular consequence: intron variant.
Genome position (GRCh38, 1-based): chr15:40,416,285, C>T. VCF-style: chr15-40416285-C-T. GRCh37 (hg19) VCF-style: chr15-40708484-C-T.
Other names: c.1153-5C>T (NM_001354600.3, NM_001354599.3); c.1066-5C>T (NM_001354598.3, NM_001354601.3); c.1018-5C>T (NM_001354597.3); c.976-5C>T (NM_001159508.3).
Identifiers: ClinVar variation 315803 (VCV000315803.19), dbSNP rs115077254, ClinGen allele CA7480878.

ClinVar aggregate classification (germline): Benign. Review status: criteria provided, multiple submitters, no conflicts (2 of 4 stars). 4 submissions from 4 submitters: Benign (3). 1 of the submissions does not count toward it. Last evaluated 2026-01-31.

Conditions:
Isovaleryl-CoA dehydrogenase deficiency (IVA). Also called: ISOVALERIC ACID CoA DEHYDROGENASE DEFICIENCY; IVD DEFICIENCY; Isovaleric acidemia; Classic Isovaleric Acidemia. Identifiers: Orphanet 33, MedGen C0268575, MONDO:0009475, OMIM 243500.

Allele frequency attached by ClinVar (database versions not stated): gnomAD 0.02075 and 0.02192; TOPMed 0.02331; ESP Exome Variant Server 0.02360; 1000 Genomes Project 0.02556; 1000 Genomes Project 30x 0.02733.

Submissions (4):

Labcorp Genetics (formerly Invitae), Labcorp
Classification: Benign for Isovaleryl-CoA dehydrogenase deficiency. Last evaluated: 2026-01-31. Review status: criteria provided, single submitter. Criteria: Invitae Variant Classification Sherloc (09022015). Collection method: clinical testing. Allele origin: germline.

Illumina Laboratory Services, Illumina
Classification: Benign for Isovaleryl-CoA dehydrogenase deficiency. Last evaluated: 2018-01-12. Review status: criteria provided, single submitter. Criteria: ICSL Variant Classification Criteria 13 December 2019. Collection method: clinical testing. Allele origin: germline.
Comment: This variant was observed in the ICSL laboratory as part of a predisposition screen in an ostensibly healthy population. It had not been previously curated by ICSL or reported in the Human Gene Mutation Database (HGMD: prior to June 1st, 2018), and was therefore a candidate for classification through an automated scoring system. Utilizing variant allele frequency, disease prevalence and penetrance estimates, and inheritance mode, an automated score was calculated to assess if this variant is too frequent to cause the disease. Based on the score and internal cut-off values, a variant classified as benign is not then subjected to further curation. The score for this variant resulted in a classification of benign for this disease.

GeneDx
Classification: Benign. Last evaluated: 2015-10-27. Review status: criteria provided, single submitter. Criteria: GeneDx Variant Classification (06012015). Collection method: clinical testing. Allele origin: germline. Affected: yes.
Comment: This variant is considered likely benign or benign based on one or more of the following criteria: it is a conservative change, it occurs at a poorly conserved position in the protein, it is predicted to be benign by multiple in silico algorithms, and/or has population frequency not consistent with disease.

Natera, Inc.
Classification: Benign for Isovaleryl-coa dehydrogenase deficiency. Last evaluated: 2017-08-09. Review status: no assertion criteria provided. Collection method: clinical testing. Allele origin: germline. Not counted in ClinVar's aggregate classification.